The following is an entry in ClinVar:

ClinVar aggregate classification (germline): Uncertain significance. Review status: criteria provided, multiple submitters, no conflicts (2 of 4 stars). 2 submissions from 2 submitters: Uncertain significance (2). Last evaluated 2023-06-28.

Conditions:
Charcot-Marie-Tooth disease type 4. Also called: Charcot-Marie-Tooth disease, type IV; Charcot-Marie-Tooth, Type 4. Identifiers: Orphanet 64749, MedGen C4082197, MONDO:0018995.
Inborn genetic diseases. Identifiers: MedGen C0950123, MeSH D030342.

Allele frequency attached by ClinVar (database versions not stated): gnomAD exomes below 0.00001 and 0.00001; gnomAD 0.00001; TOPMed 0.00002.
gnomAD v4.1: 10 of 1,607,404 alleles (0.00062%); highest among the groups gnomAD compares: Admixed American, 0.0017%; no homozygotes.

Submissions (2):

Ambry Genetics
Classification: Uncertain significance for Inborn genetic diseases. Last evaluated: 2023-06-28. Review status: criteria provided, single submitter. Criteria: Ambry Variant Classification Scheme 2023. Collection method: clinical testing. Allele origin: germline.

Labcorp Genetics (formerly Invitae), Labcorp
Classification: Uncertain significance for Charcot-Marie-Tooth disease type 4. Last evaluated: 2021-08-31. Review status: criteria provided, single submitter. Criteria: Invitae Variant Classification Sherloc (09022015). Collection method: clinical testing. Allele origin: germline.
Comment: This sequence change replaces glutamic acid with lysine at codon 1235 of the PRX protein (p.Glu1235Lys). The glutamic acid residue is moderately conserved and there is a small physicochemical difference between glutamic acid and lysine. This variant is not present in population databases (ExAC no frequency). This variant has not been reported in the literature in individuals affected with PRX-related conditions. Algorithms developed to predict the effect of missense changes on protein structure and function output the following: SIFT: "Deleterious"; PolyPhen-2: "Possibly Damaging"; Align-GVGD: "Class C0". The lysine amino acid residue is found in multiple mammalian species, which suggests that this missense change does not adversely affect protein function. In summary, the available evidence is currently insufficient to determine the role of this variant in disease. Therefore, it has been classified as a Variant of Uncertain Significance.

NM_181882.3(PRX):c.3703G>A (p.Glu1235Lys)

Gene: PRX (periaxin; minus strand). Cytogenetic location: 19q13.2.
Variant type: single nucleotide variant.
Coding change: c.3703G>A on transcript NM_181882.3 (MANE Select); coding-DNA position 3703, G replaced by A.
Protein change: p.Glu1235Lys; replaces glutamic acid 1235 with lysine.
Molecular consequence: missense variant. On other transcripts: 3 prime UTR variant (1).
Genome position (GRCh38, 1-based): chr19:40,394,649, C>T on the plus strand (G>A on the coding strand, the complement: PRX is on the minus strand). VCF-style: chr19-40394649-C-T. GRCh37 (hg19) VCF-style: chr19-40900556-C-T.
Other names: c.*3908G>A (NM_020956.2); c.3703G>A (NM_181882.2); short protein forms E1235K.
Identifiers: ClinVar variation 1007759 (VCV001007759.7), dbSNP rs1385904344, ClinGen allele CA405892602.
Genomic context (GRCh38, chr19:40,394,649, plus strand): 5'-TAGCTCTGGCCCCCAGTGTGGGCAACTTCAGCCTCAGCCCACCCTCGCCTGTGGCCGCCT[C>T]GCCCGCCTGTGCCTCTCGGCTTAGCCCCACGTCCAGCTCAAGCTGGGGCACTGTCACGGT-3'
Protein context (NP_870998.2, residues 1225-1245): VGLSREAQAG[Glu1235Lys]AATGEGGLRL